The following is an entry in ClinVar:

ClinVar aggregate classification (germline): Uncertain significance. Review status: criteria provided, multiple submitters, no conflicts (2 of 4 stars). 2 submissions from 2 submitters: Uncertain significance (2). Last evaluated 2023-05-15.

Conditions:
Inborn genetic diseases. Identifiers: MedGen C0950123, MeSH D030342.

Allele frequency attached by ClinVar (database versions not stated): ExAC 0.00001; gnomAD 0.00001; TOPMed 0.00001.
gnomAD v4.1: 24 of 1,613,948 alleles (0.0015%); highest among the groups gnomAD compares: African/African-American, 0.0053%; no homozygotes.

Submissions (2):

Ambry Genetics
Classification: Uncertain significance for Inborn genetic diseases. Last evaluated: 2023-05-15. Review status: criteria provided, single submitter. Criteria: Ambry Variant Classification Scheme 2023. Collection method: clinical testing. Allele origin: germline.

Labcorp Genetics (formerly Invitae), Labcorp
Classification: Uncertain significance. Last evaluated: 2022-03-01. Review status: criteria provided, single submitter. Criteria: Invitae Variant Classification Sherloc (09022015). Collection method: clinical testing. Allele origin: germline.
Comment: This sequence change replaces arginine, which is basic and polar, with histidine, which is basic and polar, at codon 917 of the DENND5A protein (p.Arg917His). This variant is present in population databases (rs763351875, gnomAD 0.003%). This variant has not been reported in the literature in individuals affected with DENND5A-related conditions. Algorithms developed to predict the effect of missense changes on protein structure and function are either unavailable or do not agree on the potential impact of this missense change (SIFT: "Tolerated"; PolyPhen-2: "Probably Damaging"; Align-GVGD: "Class C0"). In summary, the available evidence is currently insufficient to determine the role of this variant in disease. Therefore, it has been classified as a Variant of Uncertain Significance.

NM_015213.4(DENND5A):c.2750G>A (p.Arg917His)

Gene: DENND5A (DENN domain containing 5A; minus strand). Cytogenetic location: 11p15.4.
Variant type: single nucleotide variant.
Coding change: c.2750G>A on transcript NM_015213.4 (MANE Select); coding-DNA position 2750, G replaced by A.
Protein change: p.Arg917His; replaces arginine 917 with histidine.
Molecular consequence: missense variant. On other transcripts: non-coding transcript variant (1).
Genome position (GRCh38, 1-based): chr11:9,147,137, C>T on the plus strand (G>A on the coding strand, the complement: DENND5A is on the minus strand). VCF-style: chr11-9147137-C-T. GRCh37 (hg19) VCF-style: chr11-9168684-C-T.
Other names: c.2750G>A, p.Arg917His (NM_001243254.2, NM_001348748.1); c.2678G>A, p.Arg893His (NM_001348749.2); c.2462G>A, p.Arg821His (NM_001348750.2); c.2750G>A (NM_015213.3); short protein forms R821H, R893H, R917H.
Identifiers: ClinVar variation 1923225 (VCV001923225.7), dbSNP rs763351875, ClinGen allele CA5877232.
Genomic context (GRCh38, chr11:9,147,137, plus strand): 5'-AAAGACAGGAGGTGATAGAGGAACTGCTCCTTCTCGTCATCACAGCGCAGGAAGGCATAG[C>T]GCTTATATAACTTTCTGTTGGAGAGGAGGTAATACATCAGTCTCCGACCAAAAGGAAGGG-3'
Protein context (NP_056028.2, residues 907-927): DHELTKKLYK[Arg917His]YAFLRCDDEK